The following is an entry in ClinVar:

ClinVar aggregate classification (germline): Uncertain significance (1 of 4 stars; one submission).

Allele frequency attached by ClinVar (database versions not stated): gnomAD exomes below 0.00001.
gnomAD v4.1: 1 of 1,612,636 alleles (0.000062%); highest among the groups gnomAD compares: Non-Finnish European, 0.000085%; no homozygotes.

Submission:

Labcorp Genetics (formerly Invitae), Labcorp
Classification: Uncertain significance. Last evaluated: 2022-03-25. Review status: criteria provided, single submitter. Criteria: Invitae Variant Classification Sherloc (09022015). Collection method: clinical testing. Allele origin: germline.
Comment: In summary, the available evidence is currently insufficient to determine the role of this variant in disease. Therefore, it has been classified as a Variant of Uncertain Significance. Algorithms developed to predict the effect of sequence changes on RNA splicing suggest that this variant may disrupt the consensus splice site. Algorithms developed to predict the effect of missense changes on protein structure and function (SIFT, PolyPhen-2, Align-GVGD) all suggest that this variant is likely to be tolerated. This variant has not been reported in the literature in individuals affected with PDE6A-related conditions. This variant is not present in population databases (gnomAD no frequency). This sequence change replaces aspartic acid, which is acidic and polar, with glutamic acid, which is acidic and polar, at codon 309 of the PDE6A protein (p.Asp309Glu).

NM_000440.3(PDE6A):c.927T>G (p.Asp309Glu)

Gene: PDE6A (phosphodiesterase 6A; minus strand). Cytogenetic location: 5q32.
Variant type: single nucleotide variant.
Coding change: c.927T>G on transcript NM_000440.3 (MANE Select); coding-DNA position 927, T replaced by G.
Protein change: p.Asp309Glu; replaces aspartic acid 309 with glutamic acid.
Molecular consequence: missense variant.
Genome position (GRCh38, 1-based): chr5:149,921,641, A>C on the plus strand (T>G on the coding strand, the complement: PDE6A is on the minus strand). VCF-style: chr5-149921641-A-C. GRCh37 (hg19) VCF-style: chr5-149301204-A-C.
Other names: c.684T>G, p.Asp228Glu (NM_001410788.1); short protein forms D228E, D309E.
Identifiers: ClinVar variation 2420876 (VCV002420876.6), dbSNP rs1753724861, ClinGen allele CA361700715.